The following is an entry in ClinVar:

ClinVar aggregate classification (germline): Uncertain significance. Review status: criteria provided, multiple submitters, no conflicts (2 of 4 stars). 2 submissions from 2 submitters: Uncertain significance (2). Last evaluated 2023-11-24.

Conditions:
Neuropathy, hereditary sensory and autonomic, type 2A (HSAN2A). Also called: WNK1-Related HSAN2 (HSAN2A); ACROOSTEOLYSIS, GIACCAI TYPE; ACROOSTEOLYSIS, NEUROGENIC; HSAN IIA; MORVAN DISEASE; NEUROPATHY, CONGENITAL SENSORY. Identifiers: Orphanet 970, MedGen C2752089, MONDO:0024309, OMIM 201300.
Pseudohypoaldosteronism type 2C (PHA2C). Also called: Pseudohypoaldosteronism Type IIC. Identifiers: Orphanet 757, Orphanet 88940, MedGen C1840391, MONDO:0013778, OMIM 614492.

Allele frequency attached by ClinVar (database versions not stated): ExAC 0.00002; gnomAD exomes 0.00002 and 0.00003.
gnomAD v4.1: 38 of 1,614,202 alleles (0.0024%); highest among the groups gnomAD compares: Non-Finnish European, 0.0031%; 1 homozygote.

Submissions (2):

Labcorp Genetics (formerly Invitae), Labcorp
Classification: Uncertain significance for Neuropathy, hereditary sensory and autonomic, type 2A; Pseudohypoaldosteronism type 2C. Last evaluated: 2023-11-24. Review status: criteria provided, single submitter. Criteria: Invitae Variant Classification Sherloc (09022015). Collection method: clinical testing. Allele origin: germline.
Comment: This sequence change replaces alanine, which is neutral and non-polar, with valine, which is neutral and non-polar, at codon 1707 of the WNK1 protein (p.Ala1707Val). This variant is present in population databases (rs759951096, gnomAD 0.005%). This variant has not been reported in the literature in individuals affected with WNK1-related conditions. ClinVar contains an entry for this variant (Variation ID: 641687). Advanced modeling of protein sequence and biophysical properties (such as structural, functional, and spatial information, amino acid conservation, physicochemical variation, residue mobility, and thermodynamic stability) performed at Invitae indicates that this missense variant is not expected to disrupt WNK1 protein function with a negative predictive value of 95%. In summary, the available evidence is currently insufficient to determine the role of this variant in disease. Therefore, it has been classified as a Variant of Uncertain Significance.

Fulgent Genetics
Classification: Uncertain significance for Neuropathy, hereditary sensory and autonomic, type 2A; Pseudohypoaldosteronism type 2C. Last evaluated: 2021-12-24. Review status: criteria provided, single submitter. Criteria: ACMG Guidelines, 2015. Collection method: clinical testing. Allele origin: unknown.

NM_018979.4(WNK1):c.4364C>T (p.Ala1455Val)

Gene: WNK1 (WNK lysine deficient protein kinase 1; plus strand). Cytogenetic location: 12p13.33.
Variant type: single nucleotide variant.
Coding change: c.4364C>T on transcript NM_018979.4 (MANE Select); coding-DNA position 4364, C replaced by T.
Protein change: p.Ala1455Val; replaces alanine 1455 with valine.
Molecular consequence: missense variant.
Genome position (GRCh38, 1-based): chr12:885,168, C>T. VCF-style: chr12-885168-C-T. GRCh37 (hg19) VCF-style: chr12-994334-C-T.
Other names: c.5144C>T, p.Ala1715Val (NM_001184985.2); c.3623C>T, p.Ala1208Val (NM_014823.3); c.5120C>T, p.Ala1707Val (NM_213655.5); short protein forms A1455V, A1707V, A1208V, A1715V.
Identifiers: ClinVar variation 641687 (VCV000641687.9), dbSNP rs759951096, ClinGen allele CA6382962.